The following is an entry in ClinVar:

ClinVar aggregate classification (germline): Conflicting classifications of pathogenicity. Review status: criteria provided, conflicting classifications (1 of 4 stars). 2 submissions from 2 submitters: Uncertain significance (1); Likely benign (1). Last evaluated 2024-01-15.

Conditions:
Inborn genetic diseases. Identifiers: MedGen C0950123, MeSH D030342.

Allele frequency attached by ClinVar (database versions not stated): TOPMed 0.00002; gnomAD exomes 0.00003; gnomAD 0.00004; ExAC 0.00006; 1000 Genomes Project 0.00020; 1000 Genomes Project 30x 0.00031.

Submissions (2):

Labcorp Genetics (formerly Invitae), Labcorp
Classification: Uncertain significance. Last evaluated: 2024-01-15. Review status: criteria provided, single submitter. Criteria: Invitae Variant Classification Sherloc (09022015). Collection method: clinical testing. Allele origin: germline.
Comment: This sequence change replaces arginine, which is basic and polar, with glutamine, which is neutral and polar, at codon 106 of the PIGV protein (p.Arg106Gln). The frequency data for this variant in the population databases is considered unreliable, as metrics indicate poor data quality at this position in the gnomAD database. This variant has not been reported in the literature in individuals affected with PIGV-related conditions. ClinVar contains an entry for this variant (Variation ID: 2141208). Advanced modeling of protein sequence and biophysical properties (such as structural, functional, and spatial information, amino acid conservation, physicochemical variation, residue mobility, and thermodynamic stability) performed at Invitae indicates that this missense variant is not expected to disrupt PIGV protein function with a negative predictive value of 80%. In summary, the available evidence is currently insufficient to determine the role of this variant in disease. Therefore, it has been classified as a Variant of Uncertain Significance.

Ambry Genetics
Classification: Likely benign for Inborn genetic diseases. Last evaluated: 2022-06-30. Review status: criteria provided, single submitter. Criteria: Ambry Variant Classification Scheme 2023. Collection method: clinical testing. Allele origin: germline.

NM_017837.4(PIGV):c.317G>A (p.Arg106Gln)

Gene: PIGV (phosphatidylinositol glycan anchor biosynthesis class V; plus strand). Cytogenetic location: 1p36.11.
Variant type: single nucleotide variant.
Coding change: c.317G>A on transcript NM_017837.4 (MANE Select); coding-DNA position 317, G replaced by A.
Protein change: p.Arg106Gln; replaces arginine 106 with glutamine.
Molecular consequence: missense variant. On other transcripts: 5 prime UTR variant (1), non-coding transcript variant (1), intron variant (3).
Genome position (GRCh38, 1-based): chr1:26,794,351, G>A. VCF-style: chr1-26794351-G-A. GRCh37 (hg19) VCF-style: chr1-27120842-G-A.
Other names: c.317G>A, p.Arg106Gln (NM_001202554.2, NM_001374478.1, NM_001374480.1 and 2 more transcripts); c.-65G>A (NM_001374483.1); c.172+145G>A (NM_001374484.1, NM_001374485.1); c.79-3212G>A (NM_001374486.1); c.317G>A (NM_017837.3); short protein forms R106Q.
Identifiers: ClinVar variation 2141208 (VCV002141208.4), dbSNP rs180892038, ClinGen allele CA708036.